The following is an entry in ClinVar:

NM_000497.4(CYP11B1):c.869dup (p.Ala291fs)

Genes: CYP11B1 (cytochrome P450 family 11 subfamily B member 1; minus strand), LOC106799833 (CYP11B1 recombination region; plus strand). Cytogenetic location: 8q24.3.
Variant type: Duplication.
Coding change: c.869dup on transcript NM_000497.4 (MANE Select); coding-DNA position 869, one base duplicated (T; older notation c.869dupT).
Protein change: p.Ala291fs; shifts the reading frame from alanine 291.
Molecular consequence: frameshift variant.
Genome position (GRCh38, 1-based): chr8:142,876,326, A duplicated on the plus strand (T on the coding strand, the reverse complement: CYP11B1 is on the minus strand). VCF-style (leftmost placement, unchanged base first): chr8-142876325-C-CA. GRCh37 (hg19) VCF-style: chr8-143957741-C-CA.
Other names: c.869dup, p.Ala291fs (NM_001026213.1); short protein forms A291fs.
Identifiers: ClinVar variation 5011945 (VCV005011945.1).

ClinVar aggregate classification (germline): Pathogenic (1 of 4 stars; one submission).

Conditions:
Deficiency of steroid 11-beta-monooxygenase (CYP11B1). Also called: ADRENAL HYPERPLASIA, CONGENITAL, DUE TO STEROID 11-BETA-HYDROXYLASE DEFICIENCY; 11-BETA-HYDROXYLASE DEFICIENCY; ADRENAL HYPERPLASIA IV; P450C11B1 DEFICIENCY; STEROID 11-BETA-HYDROXYLASE DEFICIENCY; Congenital adrenal hyperplasia due to 11-beta-hydroxylase deficiency. Identifiers: Orphanet 90795, MedGen C0268292, MONDO:0008729, OMIM 202010. Disease mechanism: loss of function.

Submission:

Myriad Genetics, Inc.
Classification: Pathogenic for Deficiency of steroid 11-beta-monooxygenase. Last evaluated: 2023-09-27. Review status: criteria provided, single submitter. Criteria: Myriad Autosomal Dominant, Autosomal Recessive and X-Linked Classification Criteria (2023). Collection method: clinical testing. Allele origin: unknown.
Comment: NM_000497.3(CYP11B1):c.869dupT(A291Gfs*39) is expected to be pathogenic in the context of congenital adrenal hyperplasia, CYP11B1-related. This variant is predicted to lead to an abnormal or absent protein product due to the creation of a premature termination codon in CYP11B1, a gene where loss-of-function variants are known to be pathogenic. Please note: this variant was assessed in the context of healthy population screening.